The following is an entry in ClinVar:

NM_014423.4(AFF4):c.2277A>C (p.Lys759Asn)

Gene: AFF4 (ALF transcription elongation factor 4; minus strand). Cytogenetic location: 5q31.1.
Variant type: single nucleotide variant.
Coding change: c.2277A>C on transcript NM_014423.4 (MANE Select); coding-DNA position 2277, A replaced by C.
Protein change: p.Lys759Asn; replaces lysine 759 with asparagine.
Molecular consequence: missense variant.
Genome position (GRCh38, 1-based): chr5:132,896,353, T>G on the plus strand (A>C on the coding strand, the complement: AFF4 is on the minus strand). VCF-style: chr5-132896353-T-G. GRCh37 (hg19) VCF-style: chr5-132232045-T-G.
Other names: c.2277A>C (NM_014423.3); short protein forms K759N.
Identifiers: ClinVar variation 1991156 (VCV001991156.6), dbSNP rs200579628, ClinGen allele CA3408975.

ClinVar aggregate classification (germline): Uncertain significance. Review status: criteria provided, multiple submitters, no conflicts (2 of 4 stars). 3 submissions from 3 submitters: Uncertain significance (2). 1 of the submissions does not count toward it. Last evaluated 2024-12-04.

Conditions:
AFF4-related disorder. Also called: AFF4-related condition.
Inborn genetic diseases. Identifiers: MedGen C0950123, MeSH D030342.
Cognitive impairment - coarse facies - heart defects - obesity - pulmonary involvement - short stature - skeletal dysplasia syndrome. Also called: COGNITIVE IMPAIRMENT, COARSE FACIES, HEART DEFECTS, OBESITY, PULMONARY INVOLVEMENT, SHORT STATURE, AND SKELETAL DYSPLASIA; Chops syndrome; AFF4-Related CHOPS Syndrome. Identifiers: Orphanet 444077, MedGen C4085597, MONDO:0014609, OMIM 616368.

Allele frequency attached by ClinVar (database versions not stated): ExAC 0.00001; gnomAD exomes 0.00001.
gnomAD v4.1: 8 of 1,597,450 alleles (0.0005%); highest among the groups gnomAD compares: Non-Finnish European, 0.00068%; no homozygotes.

Submissions (3):

Ambry Genetics
Classification: Uncertain significance for Inborn genetic diseases. Last evaluated: 2024-12-04. Review status: criteria provided, single submitter. Criteria: Ambry Variant Classification Scheme 2023. Collection method: clinical testing. Allele origin: germline.

Labcorp Genetics (formerly Invitae), Labcorp
Classification: Uncertain significance for Cognitive impairment - coarse facies - heart defects - obesity - pulmonary involvement - short stature - skeletal dysplasia syndrome. Last evaluated: 2023-02-24. Review status: criteria provided, single submitter. Criteria: Invitae Variant Classification Sherloc (09022015). Collection method: clinical testing. Allele origin: germline.
Comment: This sequence change replaces lysine, which is basic and polar, with asparagine, which is neutral and polar, at codon 759 of the AFF4 protein (p.Lys759Asn). This variant is present in population databases (rs200579628, gnomAD 0.003%). This variant has not been reported in the literature in individuals affected with AFF4-related conditions. ClinVar contains an entry for this variant (Variation ID: 1991156). Advanced modeling of protein sequence and biophysical properties (such as structural, functional, and spatial information, amino acid conservation, physicochemical variation, residue mobility, and thermodynamic stability) performed at Invitae indicates that this missense variant is not expected to disrupt AFF4 protein function. In summary, the available evidence is currently insufficient to determine the role of this variant in disease. Therefore, it has been classified as a Variant of Uncertain Significance.

PreventionGenetics, part of Exact Sciences
Classification: Uncertain significance for AFF4-related condition. Last evaluated: 2024-07-29. Review status: no assertion criteria provided. Collection method: clinical testing. Allele origin: germline. Not counted in ClinVar's aggregate classification.
Comment: The AFF4 c.2277A>C variant is predicted to result in the amino acid substitution p.Lys759Asn. To our knowledge, this variant has not been reported in the literature. This variant is reported in 0.0028% of alleles in individuals of European (Non-Finnish) descent in gnomAD. At this time, the clinical significance of this variant is uncertain due to the absence of conclusive functional and genetic evidence.